The following is an entry in ClinVar:

NM_000257.4(MYH7):c.1258-5T>C

Gene: MYH7 (myosin heavy chain 7; minus strand). Cytogenetic location: 14q11.2.
Variant type: single nucleotide variant.
Coding change: c.1258-5T>C on transcript NM_000257.4 (MANE Select); 5 bases into the intron before coding-DNA position 1258, T replaced by C.
Molecular consequence: intron variant.
Genome position (GRCh38, 1-based): chr14:23,429,109, A>G on the plus strand (T>C on the coding strand, the complement: MYH7 is on the minus strand). VCF-style: chr14-23429109-A-G. GRCh37 (hg19) VCF-style: chr14-23898318-A-G.
Other names: c.1258-5T>C (NM_001407004.1).
Identifiers: ClinVar variation 3901896 (VCV003901896.1).
Genomic context (GRCh38, chr14:23,429,109, plus strand): 5'-CAGTTGAACATCCTCTCATACACTGCCTTGGCCAGTGCCCCAGTGGCATATATCACCTGC[A>G]AGGTGGAGGAGAGACCCATATTGAGCAGGGTTGTTGGGAAGAGTGAACTTGAAAACTCTC-3'

ClinVar aggregate classification (germline): Uncertain significance (1 of 4 stars; one submission).

Conditions:
Dilated cardiomyopathy 1S (CMD1S). Identifiers: Orphanet 154, Orphanet 54260, MedGen C1834481, MONDO:0013262, OMIM 613426.
Hypertrophic cardiomyopathy 1 (CMH1). Also called: Familial hypertrophic cardiomyopathy 1; MYH7-Related Familial Hypertrophic Cardiomyopathy. Identifiers: MedGen C3495498, MONDO:0008647, OMIM 192600.

gnomAD v4.1: 1 of 1,614,184 alleles (0.000062%); no homozygotes.

Submission:

Clinical Genomics Laboratory, Stanford Medicine
Classification: Uncertain significance for Dilated cardiomyopathy 1S; Hypertrophic cardiomyopathy 1. Last evaluated: 2023-07-25. Review status: criteria provided, single submitter. Criteria: ACMG Guidelines, 2015. Collection method: clinical testing. Allele origin: germline. Observed: 1 variant allele, 1 heterozygote.
Comment: The c.1258-5T>C variant in the MYH7 gene has not been previously reported in association with disease. This variant was absent from large population databases, including the Genome Aggregation Database. This variant occurs in the 3’ splice site and computational tools do not predict an impact to splicing. However, the accuracy of these computational tools is limited. These data were assessed using the ACMG/AMP variant interpretation guidelines. In summary, the significance of the c.1258-5T>C variant is uncertain. Additional information is needed to resolve the significance of this variant. [ACMG evidence codes used: PM2; BP4]